The following is an entry in ClinVar:

NM_001365276.2(TNXB):c.7920C>A (p.Thr2640=)

Gene: TNXB (tenascin XB; minus strand). Cytogenetic location: 6p21.33.
Variant type: single nucleotide variant.
Coding change: c.7920C>A on transcript NM_001365276.2 (MANE Select); coding-DNA position 7920, C replaced by A.
Protein change: p.Thr2640=; no amino-acid change (threonine 2640 retained).
Molecular consequence: synonymous variant.
Genome position (GRCh38, 1-based): chr6:32,056,809, G>T on the plus strand (C>A on the coding strand, the complement: TNXB is on the minus strand). VCF-style: chr6-32056809-G-T. GRCh37 (hg19) VCF-style: chr6-32024586-G-T.
Other names: p.Thr2640=; c.7920C>A, p.Thr2640= (NM_019105.8).
Identifiers: ClinVar variation 1761235 (VCV001761235.7), dbSNP rs371265858, ClinGen allele CA3734007.

ClinVar aggregate classification (germline): Likely benign. Review status: criteria provided, multiple submitters, no conflicts (2 of 4 stars). 5 submissions from 5 submitters: Likely benign (4). 1 of the submissions does not count toward it. Last evaluated 2025-11-16.

Conditions:
Cardiovascular phenotype. Identifiers: MedGen CN230736.
TNXB-related disorder. Also called: TNXB-related condition.

Allele frequency attached by ClinVar (database versions not stated): gnomAD exomes 0.00002; TOPMed 0.00002; gnomAD 0.00003; ExAC 0.00006; ESP Exome Variant Server 0.00013.
gnomAD v4.1: 30 of 1,613,064 alleles (0.0019%); highest among the groups gnomAD compares: Middle Eastern, 0.033%; no homozygotes.

Submissions (5):

Labcorp Genetics (formerly Invitae), Labcorp
Classification: Likely benign. Last evaluated: 2025-11-16. Review status: criteria provided, single submitter. Criteria: Invitae Variant Classification Sherloc (09022015). Collection method: clinical testing. Allele origin: germline.

Women's Health and Genetics/Laboratory Corporation of America, LabCorp
Classification: Likely benign. Last evaluated: 2025-10-09. Review status: criteria provided, single submitter. Criteria: LabCorp Variant Classification Summary - May 2015. Collection method: clinical testing. Allele origin: germline.

Mayo Clinic Laboratories, Mayo Clinic
Classification: Likely benign. Last evaluated: 2025-04-08. Review status: criteria provided, single submitter. Criteria: ACMG Guidelines, 2015. Collection method: clinical testing. Allele origin: germline. Observed: 1 variant allele.
Comment: BP4, BP7

Ambry Genetics
Classification: Likely benign for Cardiovascular phenotype. Last evaluated: 2020-09-20. Review status: criteria provided, single submitter. Criteria: Ambry Variant Classification Scheme 2023. Collection method: clinical testing. Allele origin: germline.

PreventionGenetics, part of Exact Sciences
Classification: Likely benign for TNXB-related condition. Last evaluated: 2022-04-27. Review status: no assertion criteria provided. Collection method: clinical testing. Allele origin: germline. Not counted in ClinVar's aggregate classification.
Comment: This variant is classified as likely benign based on ACMG/AMP sequence variant interpretation guidelines (Richards et al. 2015 PMID: 25741868, with internal and published modifications).